The following is an entry in ClinVar:

NM_001349338.3(FOXP1):c.1321_1324del (p.Asp441fs)

Gene: FOXP1 (forkhead box P1; minus strand). Cytogenetic location: 3p13.
Variant type: Deletion.
Coding change: c.1321_1324del on transcript NM_001349338.3 (MANE Select); coding-DNA positions 1321 to 1324, 4 bases deleted (GACA; older notation c.1321_1324delGACA).
Protein change: p.Asp441fs; shifts the reading frame from aspartic acid 441.
Molecular consequence: frameshift variant. On other transcripts: non-coding transcript variant (2).
Genome position (GRCh38, 1-based): chr3:70,977,852-70,977,855, TGTC deleted on the plus strand (GACA on the coding strand, the reverse complement: FOXP1 is on the minus strand); deleting any 4 consecutive bases within chr3:70,977,852-70,977,857 gives the same sequence; the c. name uses the placement nearest the transcript's 3' end. VCF-style (leftmost placement, unchanged base first): chr3-70977851-TTGTC-T. GRCh37 (hg19) VCF-style: chr3-71027002-TTGTC-T.
Other names: c.1321_1324del, p.Asp441fs (NM_001244808.3, NM_001244810.2, NM_001244814.3 and 3 more transcripts); c.1093_1096del, p.Asp365fs (NM_001244812.3); c.1021_1024del, p.Asp341fs (NM_001244813.3, NM_001244815.2, NM_001349342.3 and 1 more transcripts); c.1018_1021del, p.Asp340fs (NM_001349337.2, NM_001349343.3, NM_001349344.3); c.1318_1321del, p.Asp440fs (NM_001349341.3); short protein forms D340fs, D341fs, D365fs, D440fs, D441fs.
Identifiers: ClinVar variation 978405 (VCV000978405.6), dbSNP rs2545122691, ClinGen allele CA1139658157.

ClinVar aggregate classification (germline): Pathogenic. Review status: criteria provided, single submitter (1 of 4 stars). 2 submissions from 2 submitters: Pathogenic (1). 1 of the submissions does not count toward it. Last evaluated 2020-07-02.

Conditions:
Rare genetic intellectual disability. Identifiers: Orphanet 183757, MedGen C5680527.

Submissions (2):

Labcorp Genetics (formerly Invitae), Labcorp
Classification: Pathogenic. Last evaluated: 2020-07-02. Review status: criteria provided, single submitter. Criteria: Invitae Variant Classification Sherloc (09022015). Collection method: clinical testing. Allele origin: germline.
Comment: For these reasons, this variant has been classified as Pathogenic. Loss-of-function variants in FOXP1 are known to be pathogenic (PMID: 28735298). This variant has not been reported in the literature in individuals with FOXP1-related conditions. This variant is not present in population databases (ExAC no frequency). This sequence change creates a premature translational stop signal (p.Asp441Asnfs*32) in the FOXP1 gene. It is expected to result in an absent or disrupted protein product.

Service de Génétique Moléculaire, Hôpital Robert Debré
Classification: Likely pathogenic for Rare genetic intellectual disability. Review status: no assertion criteria provided. Collection method: clinical testing. Allele origin: de novo. Affected: yes. Not counted in ClinVar's aggregate classification.

Literature cited by the submitters: PubMed 28735298 (cited by Labcorp Genetics (formerly Invitae), Labcorp).